The following is an entry in ClinVar:

NM_012082.4(ZFPM2):c.89A>G (p.Glu30Gly)

Gene: ZFPM2 (zinc finger protein, FOG family member 2; plus strand). Cytogenetic location: 8q23.1.
Variant type: single nucleotide variant.
Coding change: c.89A>G on transcript NM_012082.4 (MANE Select); coding-DNA position 89, A replaced by G.
Protein change: p.Glu30Gly; replaces glutamic acid 30 with glycine.
Molecular consequence: missense variant. On other transcripts: 5 prime UTR variant (1), intron variant (1).
Genome position (GRCh38, 1-based): chr8:105,419,192, A>G. VCF-style: chr8-105419192-A-G. GRCh37 (hg19) VCF-style: chr8-106431420-A-G.
Other names: c.-308A>G (NM_001362837.2); c.41-25088A>G (NM_001362836.2); short protein forms E30G.
Identifiers: ClinVar variation 6128 (VCV000006128.48), dbSNP rs121908601, ClinGen allele CA130351.

ClinVar aggregate classification (germline): Benign/Likely benign. Review status: criteria provided, multiple submitters, no conflicts (2 of 4 stars). 12 submissions from 10 submitters: Benign (1); Likely benign (4). 7 of the submissions do not count toward it. Last evaluated 2026-06-01.

Conditions:
ZFPM2-related disorder. Also called: ZFPM2-related condition.
46,XY sex reversal 9 (SRXY9). Also called: 46,XY SEX REVERSAL, ZFPM2-RELATED. Identifiers: Orphanet 251510, MedGen C4015129, MONDO:0014480, OMIM 616067.
46,XY sex reversal 3. Also called: 46,XY SEX REVERSAL, PARTIAL OR COMPLETE, NR5A1-RELATED; NR5A1-related 46,XY complete gonadal dysgenesis; SEX REVERSAL, XY, WITH OR WITHOUT ADRENAL FAILURE; 46,XY GONADAL DYSGENESIS, PARTIAL OR COMPLETE, WITH OR WITHOUT ADRENAL FAILURE; DISORDER OF SEX DEVELOPMENT, 46,XY, NR5A1-RELATED. Identifiers: MedGen C3489793, MONDO:0013066, OMIM 612965.
Double outlet right ventricle (DORV). Identifiers: Orphanet 3426, MedGen C0013069, MONDO:0018089, HP:0001719.
Tetralogy of Fallot (TOF). Identifiers: Orphanet 3303, MedGen C0039685, MONDO:0008542, OMIM 187500, HP:0001636.
Diaphragmatic hernia 3 (DIH3). Identifiers: Orphanet 2140, MedGen C1857781, MONDO:0012431, OMIM 610187.

Allele frequency attached by ClinVar (database versions not stated): 1000 Genomes Project 30x 0.00172; 1000 Genomes Project 0.00180; TOPMed 0.00264; ExAC 0.00271; gnomAD 0.00293 and 0.00302.
gnomAD v4.1: 6,767 of 1,613,668 alleles (0.42%); highest among the groups gnomAD compares: Non-Finnish European, 0.52%; 18 homozygotes.

Submissions (12):

CeGaT Center for Human Genetics Tuebingen
Classification: Benign. Last evaluated: 2026-06-01. Review status: criteria provided, single submitter. Criteria: CeGaT Center For Human Genetics Tuebingen Variant Classification Criteria Version 2. Collection method: clinical testing. Allele origin: germline. Affected: yes. Observed: 7 variant alleles.
Comment: ZFPM2: BP4, BS1, BS2

Labcorp Genetics (formerly Invitae), Labcorp
Classification: Likely benign for 46,XY sex reversal 9. Last evaluated: 2026-01-15. Review status: criteria provided, single submitter. Criteria: Invitae Variant Classification Sherloc (09022015). Collection method: clinical testing. Allele origin: germline.

Women's Health and Genetics/Laboratory Corporation of America, LabCorp
Classification: Likely benign. Last evaluated: 2025-08-11. Review status: criteria provided, single submitter. Criteria: LabCorp Variant Classification Summary - May 2015. Collection method: clinical testing. Allele origin: germline.
Comment: Variant summary: ZFPM2 c.89A>G (p.Glu30Gly) results in a non-conservative amino acid change in the encoded protein sequence. Algorithms developed to predict the effect of missense changes on protein structure and function are either unavailable or do not agree on the potential impact of this missense change. The variant allele was found at a frequency of 0.0027 in 248808 control chromosomes in the gnomAD database, including 4 homozygotes. The observed variant frequency is approximately 1290.63 fold of the estimated maximal expected allele frequency for a pathogenic variant in ZFPM2 causing Tetralogy Of Fallot phenotype (2.1e-06). ClinVar contains an entry for this variant (Variation ID: 6128). Based on the evidence outlined above, the variant was classified as likely benign.

Genetic Services Laboratory, University of Chicago
Classification: Likely benign. Last evaluated: 2017-08-08. Review status: criteria provided, single submitter. Criteria: ACMG Guidelines, 2015. Collection method: clinical testing. Allele origin: germline. Affected: no.

Breakthrough Genomics
Classification: Likely benign. Review status: criteria provided, single submitter. Criteria: ACMG Guidelines, 2015. Collection method: not provided. Allele origin: germline. Inheritance: Autosomal dominant inheritance. Affected: yes.

PreventionGenetics, part of Exact Sciences
Classification: Likely benign for ZFPM2-related condition. Last evaluated: 2021-08-16. Review status: no assertion criteria provided. Collection method: clinical testing. Allele origin: germline. Not counted in ClinVar's aggregate classification.
Comment: This variant is classified as likely benign based on ACMG/AMP sequence variant interpretation guidelines (Richards et al. 2015 PMID: 25741868, with internal and published modifications).

Reproductive Development, Murdoch Childrens Research Institute
Classification: Benign for 46,XY disorder of sex development. Last evaluated: 2019-08-26. Review status: no assertion criteria provided. Collection method: research. Allele origin: germline. Affected: yes. Not counted in ClinVar's aggregate classification.

OMIM
Classification: Pathogenic for TETRALOGY OF FALLOT. Last evaluated: 2015-04-01. Review status: no assertion criteria provided. Collection method: literature only. Allele origin: germline. Not counted in ClinVar's aggregate classification.

OMIM
Classification: Pathogenic for DOUBLE-OUTLET RIGHT VENTRICLE. Last evaluated: 2015-04-01. Review status: no assertion criteria provided. Collection method: literature only. Allele origin: germline. Not counted in ClinVar's aggregate classification.

OMIM
Classification: Pathogenic for DIAPHRAGMATIC HERNIA 3. Last evaluated: 2015-04-01. Review status: no assertion criteria provided. Collection method: literature only. Allele origin: germline. Not counted in ClinVar's aggregate classification.

Genome Diagnostics Laboratory, University Medical Center Utrecht
Classification: Likely benign. Review status: no assertion criteria provided. Collection method: clinical testing. Allele origin: germline. Affected: yes. Study: VKGL Data-share Consensus. Not counted in ClinVar's aggregate classification.

Laboratory of Diagnostic Genome Analysis, Leiden University Medical Center (LUMC)
Classification: Likely benign. Review status: no assertion criteria provided. Collection method: clinical testing. Allele origin: germline. Affected: yes. Study: VKGL Data-share Consensus. Not counted in ClinVar's aggregate classification.

Literature cited by the submitters: PubMed 14517948 (cited by OMIM); PubMed 20807224 (cited by OMIM); PubMed 24702427 (cited by OMIM).